The following is an entry in ClinVar:

ClinVar aggregate classification (germline): Uncertain significance (1 of 4 stars; one submission).

Submission:

Ambry Genetics
Classification: Uncertain significance. Last evaluated: 2024-11-02. Review status: criteria provided, single submitter. Criteria: Ambry Variant Classification Scheme 2023. Collection method: clinical testing. Allele origin: germline.
Comment: The p.P2692A variant (also known as c.8074C>G), located in coding exon 59 of the PRKDC gene, results from a C to G substitution at nucleotide position 8074. The proline at codon 2692 is replaced by alanine, an amino acid with highly similar properties. This amino acid position is conserved. In addition, this alteration is predicted to be tolerated by in silico analysis. Based on the available evidence, the clinical significance of this variant remains unclear.

NM_006904.7(PRKDC):c.8074C>G (p.Pro2692Ala)

Gene: PRKDC (protein kinase, DNA-activated, catalytic subunit; minus strand). Cytogenetic location: 8q11.21.
Variant type: single nucleotide variant.
Coding change: c.8074C>G on transcript NM_006904.7 (MANE Select); coding-DNA position 8074, C replaced by G.
Protein change: p.Pro2692Ala; replaces proline 2692 with alanine.
Molecular consequence: missense variant.
Genome position (GRCh38, 1-based): chr8:47,834,274, G>C on the plus strand (C>G on the coding strand, the complement: PRKDC is on the minus strand). VCF-style: chr8-47834274-G-C. GRCh37 (hg19) VCF-style: chr8-48746835-G-C.
Other names: c.8074C>G, p.Pro2692Ala (NM_001081640.2); short protein forms P2692A.
Identifiers: ClinVar variation 3425388 (VCV003425388.1).